The following is an entry in ClinVar:

ClinVar aggregate classification (germline): Pathogenic (1 of 4 stars; one submission).

Conditions:
Fanconi anemia (FA). Also called: Fanconi's anemia. Identifiers: Orphanet 84, MedGen C0015625, MeSH D005199, MONDO:0019391.

Submission:

Labcorp Genetics (formerly Invitae), Labcorp
Classification: Pathogenic for Fanconi anemia. Last evaluated: 2023-09-12. Review status: criteria provided, single submitter. Criteria: Invitae Variant Classification Sherloc (09022015). Collection method: clinical testing. Allele origin: germline.
Comment: This sequence change creates a premature translational stop signal (p.Asn978Ilefs*8) in the FANCI gene. It is expected to result in an absent or disrupted protein product. Loss-of-function variants in FANCI are known to be pathogenic (PMID: 17452773, 17460694). This variant is not present in population databases (gnomAD no frequency). For these reasons, this variant has been classified as Pathogenic. This variant has not been reported in the literature in individuals affected with FANCI-related conditions.

Literature cited by the submitters: PubMed 17452773; PubMed 17460694.

NM_001113378.2(FANCI):c.2933del (p.Asn978fs)

Gene: FANCI (FA complementation group I; plus strand). Cytogenetic location: 15q26.1.
Variant type: Deletion.
Coding change: c.2933del on transcript NM_001113378.2 (MANE Select); coding-DNA position 2933, one base deleted (A; older notation c.2933delA).
Protein change: p.Asn978fs; shifts the reading frame from asparagine 978.
Molecular consequence: frameshift variant.
Genome position (GRCh38, 1-based): chr15:89,301,369, A deleted; the last of 2 consecutive A bases (chr15:89,301,368-89,301,369); deleting either gives the same sequence. VCF-style (leftmost placement, unchanged base first): chr15-89301367-TA-T. GRCh37 (hg19) VCF-style: chr15-89844598-TA-T.
Other names: c.2753del, p.Asn918fs (NM_018193.3); c.2654del, p.Asn885fs (NM_001376910.1); c.2933del, p.Asn978fs (NM_001376911.1); short protein forms N978fs, N885fs, N918fs.
Identifiers: ClinVar variation 2757766 (VCV002757766.3), dbSNP rs2507934482, ClinGen allele CA2697549449.